The following is an entry in ClinVar:

ClinVar aggregate classification (germline): Uncertain significance. Review status: criteria provided, multiple submitters, no conflicts (2 of 4 stars). 2 submissions from 2 submitters: Uncertain significance (2). Last evaluated 2025-06-24.

Conditions:
Congenital myasthenic syndrome 14. Also called: Myasthenic syndrome, congenital, 14, with tubular aggregates. Identifiers: Orphanet 353327, Orphanet 590, MedGen C4015597, MONDO:0014543, OMIM 616228.
Congenital disorder of glycosylation, type Ii. Also called: ALG2-congenital disorder of glycosylation; ALG2-CDG; CDG Ii. Identifiers: Orphanet 79326, MedGen C1842836, MONDO:0011933, OMIM 607906.
Inborn genetic diseases. Identifiers: MedGen C0950123, MeSH D030342.

Allele frequency attached by ClinVar (database versions not stated): gnomAD 0.00001.

Submissions (2):

Ambry Genetics
Classification: Uncertain significance for Inborn genetic diseases. Last evaluated: 2025-06-24. Review status: criteria provided, single submitter. Criteria: Ambry Variant Classification Scheme 2023. Collection method: clinical testing. Allele origin: germline.

Labcorp Genetics (formerly Invitae), Labcorp
Classification: Uncertain significance for Congenital disorder of glycosylation, type Ii; Congenital myasthenic syndrome 14. Last evaluated: 2022-02-08. Review status: criteria provided, single submitter. Criteria: Invitae Variant Classification Sherloc (09022015). Collection method: clinical testing. Allele origin: germline.
Comment: This variant has not been reported in the literature in individuals affected with ALG2-related conditions. This sequence change replaces arginine, which is basic and polar, with glycine, which is neutral and non-polar, at codon 393 of the ALG2 protein (p.Arg393Gly). This variant is present in population databases (no rsID available, gnomAD 0.01%). ClinVar contains an entry for this variant (Variation ID: 566269). Algorithms developed to predict the effect of missense changes on protein structure and function are either unavailable or do not agree on the potential impact of this missense change (SIFT: "Deleterious"; PolyPhen-2: "Probably Damaging"; Align-GVGD: "Class C15"). In summary, the available evidence is currently insufficient to determine the role of this variant in disease. Therefore, it has been classified as a Variant of Uncertain Significance.

NM_033087.4(ALG2):c.1177A>G (p.Arg393Gly)

Gene: ALG2 (ALG2 alpha-1,3/1,6-mannosyltransferase; minus strand). Cytogenetic location: 9q22.33.
Variant type: single nucleotide variant.
Coding change: c.1177A>G on transcript NM_033087.4 (MANE Select); coding-DNA position 1177, A replaced by G.
Protein change: p.Arg393Gly; replaces arginine 393 with glycine.
Molecular consequence: missense variant. On other transcripts: non-coding transcript variant (1).
Genome position (GRCh38, 1-based): chr9:99,218,008, T>C on the plus strand (A>G on the coding strand, the complement: ALG2 is on the minus strand). VCF-style: chr9-99218008-T-C. GRCh37 (hg19) VCF-style: chr9-101980290-T-C.
Other names: short protein forms R393G.
Identifiers: ClinVar variation 566269 (VCV000566269.11), dbSNP rs963221673, ClinGen allele CA196852630.